The following is an entry in ClinVar:

NM_002907.4(RECQL):c.742G>A (p.Ala248Thr)

Gene: RECQL (RecQ like helicase; minus strand). Cytogenetic location: 12p12.1.
Variant type: single nucleotide variant.
Coding change: c.742G>A on transcript NM_002907.4 (MANE Select); coding-DNA position 742, G replaced by A.
Protein change: p.Ala248Thr; replaces alanine 248 with threonine.
Molecular consequence: missense variant.
Genome position (GRCh38, 1-based): chr12:21,477,928, C>T on the plus strand (G>A on the coding strand, the complement: RECQL is on the minus strand). VCF-style: chr12-21477928-C-T. GRCh37 (hg19) VCF-style: chr12-21630862-C-T.
Other names: c.742G>A, p.Ala248Thr (NM_032941.3); short protein forms A248T.
Identifiers: ClinVar variation 830287 (VCV000830287.15), dbSNP rs202110155, ClinGen allele CA6478980.

ClinVar aggregate classification (germline): Conflicting classifications of pathogenicity. Review status: criteria provided, conflicting classifications (1 of 4 stars). 5 submissions from 5 submitters: Uncertain significance (4); Likely benign (1). Last evaluated 2025-06-24.

Conditions:
RECON progeroid syndrome (RECON). Identifiers: MedGen C5830504, MONDO:0957266, OMIM 620370.
Hereditary breast ovarian cancer syndrome. Also called: Hereditary breast and/or ovarian cancer syndrome; Hereditary breast and ovarian cancer syndrome (HBOC); Breast and ovarian cancer; Hereditary breast and ovarian cancer; BRCA1- and BRCA2-Associated Hereditary Breast and Ovarian Cancer; Hereditary breast and ovarian cancer syndrome. Identifiers: Orphanet 145, MedGen C0677776, MeSH D061325, MONDO:0003582. Disease mechanism: loss of function.

Allele frequency attached by ClinVar (database versions not stated): gnomAD 0.00002 and 0.00003; TOPMed 0.00005; gnomAD exomes 0.00007 and 0.00014; 1000 Genomes Project 30x 0.00016; ExAC 0.00018; 1000 Genomes Project 0.00020.
gnomAD v4.1: 99 of 1,611,986 alleles (0.0061%); highest among the groups gnomAD compares: East Asian, 0.13%; no homozygotes.

Submissions (5):

Labcorp Genetics (formerly Invitae), Labcorp
Classification: Uncertain significance. Last evaluated: 2025-06-24. Review status: criteria provided, single submitter. Criteria: Invitae Variant Classification Sherloc (09022015). Collection method: clinical testing. Allele origin: germline.
Comment: This sequence change replaces alanine, which is neutral and non-polar, with threonine, which is neutral and polar, at codon 248 of the RECQL protein (p.Ala248Thr). This variant is present in population databases (rs202110155, gnomAD 0.09%), and has an allele count higher than expected for a pathogenic variant. This variant has not been reported in the literature in individuals affected with RECQL-related conditions. ClinVar contains an entry for this variant (Variation ID: 830287). Invitae Evidence Modeling of protein sequence and biophysical properties (such as structural, functional, and spatial information, amino acid conservation, physicochemical variation, residue mobility, and thermodynamic stability) indicates that this missense variant is not expected to disrupt RECQL protein function with a negative predictive value of 80%. In summary, the available evidence is currently insufficient to determine the role of this variant in disease. Therefore, it has been classified as a Variant of Uncertain Significance.

ARUP Laboratories, Molecular Genetics and Genomics, ARUP Laboratories
Classification: Uncertain significance for RECON progeroid syndrome. Last evaluated: 2025-03-26. Review status: criteria provided, single submitter. Criteria: ARUP Molecular Germline Variant Investigation Process 2024. Collection method: clinical testing. Allele origin: germline.
Comment: The RECQL c.742G>A; p.Ala248Thr variant (rs202110155), to our knowledge, is not reported in the medical literature but is reported in ClinVar (Variation ID: 830287). This variant is found in the general population with an overall allele frequency of 0.01% (38/280,352 alleles) in the Genome Aggregation Database (v2.1.1). Computational analyses predict that this variant is neutral (REVEL: 0.131). Due to limited information, the clinical significance of this variant is uncertain at this time.

GeneDx
Classification: Uncertain significance. Last evaluated: 2023-10-11. Review status: criteria provided, single submitter. Criteria: GeneDx Variant Classification Process June 2021. Collection method: clinical testing. Allele origin: germline. Affected: yes.
Comment: In silico analysis, which includes protein predictors and evolutionary conservation, supports that this variant does not alter protein structure/function; Has not been previously published as pathogenic or benign to our knowledge; Variants in candidate genes are classified as variants of uncertain significance in accordance with ACMG guidelines (Richards et al., 2015); This variant is associated with the following publications: (PMID: 26455304, 23908689, 32566746, 27248010, 19151156)

Ambry Genetics
Classification: Likely benign. Last evaluated: 2020-10-14. Review status: criteria provided, single submitter. Criteria: Ambry Variant Classification Scheme 2023. Collection method: clinical testing. Allele origin: germline.

Cancer Genomics Group, Japanese Foundation For Cancer Research
Classification: Uncertain significance for Hereditary breast and ovarian cancer syndrome. Last evaluated: 2019-05-01. Review status: criteria provided, single submitter. Criteria: ACMG Guidelines, 2015. Collection method: research. Allele origin: germline. Affected: yes.